The following is an entry in ClinVar:

ClinVar aggregate classification (germline): Likely benign (1 of 4 stars; one submission).

Conditions:
TRPC5-related disorder. Also called: TRPC5-related condition.

Submission:

PreventionGenetics, part of Exact Sciences
Classification: Likely benign for TRPC5-related condition. Last evaluated: 2025-01-30. Review status: criteria provided, single submitter. Criteria: ACMG Guidelines, 2015. Collection method: clinical testing. Allele origin: germline.
Comment: This variant is classified as likely benign based on ACMG/AMP sequence variant interpretation guidelines (Richards et al. 2015 PMID: 25741868, with internal and published modifications).

NM_012471.3(TRPC5):c.1509A>G (p.Leu503=)

Gene: TRPC5 (transient receptor potential cation channel subfamily C member 5; minus strand). Cytogenetic location: Xq23.
Variant type: single nucleotide variant.
Coding change: c.1509A>G on transcript NM_012471.3 (MANE Select); coding-DNA position 1509, A replaced by G.
Protein change: p.Leu503=; no amino-acid change (leucine 503 retained).
Molecular consequence: synonymous variant.
Genome position (GRCh38, 1-based): chrX:111,847,305, T>C on the plus strand (A>G on the coding strand, the complement: TRPC5 is on the minus strand). VCF-style: chrX-111847305-T-C. GRCh37 (hg19) VCF-style: chrX-111090533-T-C.
Identifiers: ClinVar variation 4989592 (VCV004989592.1).
Genomic context (GRCh38, chrX:111,847,305, plus strand): 5'-GATAAAGAGGAATTTGAGGATATCAAGCAGCATGCGTCCCAAAGAGATCTGCAGAGGTCC[T>C]AAGTGGGAGTTGGCTGTGAACAGGGATATGAGACGCAACGAACTTAAAATGTTGGATATT-3'
Protein context (NP_036603.1, residues 493-513): LISLFTANSH[Leu503=]GPLQISLGRM